The following is an entry in ClinVar:

NM_016525.5(UBAP1):c.593A>G (p.Asn198Ser)

Gene: UBAP1 (ubiquitin associated protein 1; plus strand). Cytogenetic location: 9p13.3.
Variant type: single nucleotide variant.
Coding change: c.593A>G on transcript NM_016525.5 (MANE Select); coding-DNA position 593, A replaced by G.
Protein change: p.Asn198Ser; replaces asparagine 198 with serine.
Molecular consequence: missense variant. On other transcripts: non-coding transcript variant (1).
Genome position (GRCh38, 1-based): chr9:34,241,618, A>G. VCF-style: chr9-34241618-A-G. GRCh37 (hg19) VCF-style: chr9-34241616-A-G.
Other names: NC_000009.11:g.34241616A>G; p.Asn262Ser; c.785A>G, p.Asn262Ser (NM_001171201.1); c.701A>G, p.Asn234Ser (NM_001171202.1); c.593A>G, p.Asn198Ser (NM_001171203.3, NM_001171204.3); short protein forms N198S, N234S, N262S.
Identifiers: ClinVar variation 4083725 (VCV004083725.11).

ClinVar aggregate classification (germline): Benign/Likely benign. Review status: criteria provided, multiple submitters, no conflicts (2 of 4 stars). 3 submissions from 3 submitters: Benign (1); Likely benign (2). Last evaluated 2025-08-01.

Conditions:
UBAP1-related disorder. Also called: UBAP1-related condition.

gnomAD v4.1: 1,066 of 1,614,170 alleles (0.066%); highest among the groups gnomAD compares: Middle Eastern, 0.3%; 4 homozygotes.

Submissions (4):

CeGaT Center for Human Genetics Tuebingen
Classification: Likely benign. Last evaluated: 2025-08-01. Review status: criteria provided, single submitter. Criteria: CeGaT Center For Human Genetics Tuebingen Variant Classification Criteria Version 2. Collection method: clinical testing. Allele origin: germline. Affected: yes. Observed: 1 variant allele.
Comment: UBAP1: BP4, BS1

PreventionGenetics, part of Exact Sciences
Classification: Likely benign for UBAP1-related condition. Last evaluated: 2024-11-14. Review status: criteria provided, single submitter. Criteria: ACMG Guidelines, 2015. Collection method: clinical testing. Allele origin: germline.
Comment: This variant is classified as likely benign based on ACMG/AMP sequence variant interpretation guidelines (Richards et al. 2015 PMID: 25741868, with internal and published modifications).

Mayo Clinic Laboratories, Mayo Clinic
Classification: Benign. Last evaluated: 2024-11-12. Review status: criteria provided, single submitter. Criteria: ACMG Guidelines, 2015. Collection method: clinical testing. Allele origin: germline. Observed: 1 variant allele.
Comment: BS1, BS2, BP4

Dr. Peter K. Rogan Lab, Western University
No classification provided (evidence only). Condition: Melanoma. Review status: no classification provided. Collection method: in vitro. Allele origin: not applicable. Functional consequence: skipped exon. Not counted in ClinVar's aggregate classification.